The following is an entry in ClinVar:

NM_001379291.1(BRD4):c.771A>C (p.Pro257=)

Gene: BRD4 (bromodomain containing 4; minus strand). Cytogenetic location: 19p13.12.
Variant type: single nucleotide variant.
Coding change: c.771A>C on transcript NM_001379291.1 (MANE Select); coding-DNA position 771, A replaced by C.
Protein change: p.Pro257=; no amino-acid change (proline 257 retained).
Molecular consequence: synonymous variant.
Genome position (GRCh38, 1-based): chr19:15,265,432, T>G on the plus strand (A>C on the coding strand, the complement: BRD4 is on the minus strand). VCF-style: chr19-15265432-T-G. GRCh37 (hg19) VCF-style: chr19-15376243-T-G.
Other names: c.771A>C, p.Pro257= (NM_001330384.2, NM_001379292.1, NM_014299.3 and 1 more transcripts).
Identifiers: ClinVar variation 2649488 (VCV002649488.24), dbSNP rs1599465349, ClinGen allele CA505808838.

ClinVar aggregate classification (germline): Likely benign (1 of 4 stars; one submission).

Submission:

CeGaT Center for Human Genetics Tuebingen
Classification: Likely benign. Last evaluated: 2024-09-01. Review status: criteria provided, single submitter. Criteria: CeGaT Center For Human Genetics Tuebingen Variant Classification Criteria Version 2. Collection method: clinical testing. Allele origin: germline. Affected: yes. Observed: 4 variant alleles.
Comment: BRD4: PM2:Supporting, BP4, BP7